The following is an entry in ClinVar:

NM_002907.4(RECQL):c.631A>G (p.Arg211Gly)

Gene: RECQL (RecQ like helicase; minus strand). Cytogenetic location: 12p12.1.
Variant type: single nucleotide variant.
Coding change: c.631A>G on transcript NM_002907.4 (MANE Select); coding-DNA position 631, A replaced by G.
Protein change: p.Arg211Gly; replaces arginine 211 with glycine.
Molecular consequence: missense variant.
Genome position (GRCh38, 1-based): chr12:21,483,445, T>C on the plus strand (A>G on the coding strand, the complement: RECQL is on the minus strand). VCF-style: chr12-21483445-T-C. GRCh37 (hg19) VCF-style: chr12-21636379-T-C.
Other names: c.631A>G, p.Arg211Gly (NM_032941.3); short protein forms R211G.
Identifiers: ClinVar variation 1752822 (VCV001752822.2), dbSNP rs768077478, ClinGen allele CA384127036.
Genomic context (GRCh38, chr12:21,483,445, plus strand): 5'-AATCATGTCCCCACTGACTACAGCAGTGAACTTCATCCACAGCAATTCGAGTAAATCTCC[T>C]TGCTTCATAGGCTTTCTCTAGTCTTGACATAAACATTTTGCTTTTTGCAATTTTCTCTGG-3'
Protein context (NP_002898.2, residues 201-221): MSRLEKAYEA[Arg211Gly]RFTRIAVDEV

ClinVar aggregate classification (germline): Uncertain significance (1 of 4 stars; one submission).

gnomAD v4.1: 1 of 1,606,768 alleles (0.000062%); no homozygotes.

Submission:

Ambry Genetics
Classification: Uncertain significance. Last evaluated: 2021-04-22. Review status: criteria provided, single submitter. Criteria: Ambry Variant Classification Scheme 2023. Collection method: clinical testing. Allele origin: germline.
Comment: The p.R211G variant (also known as c.631A>G), located in coding exon 5 of the RECQL gene, results from an A to G substitution at nucleotide position 631. The arginine at codon 211 is replaced by glycine, an amino acid with dissimilar properties. This amino acid position is poorly conserved in available vertebrate species. In addition, this alteration is predicted to be tolerated by in silico analysis. Since supporting evidence is limited at this time, the clinical significance of this alteration remains unclear.